The following is an entry in ClinVar:

NM_004859.4(CLTC):c.361C>G (p.Leu121Val)

Gene: CLTC (clathrin heavy chain; plus strand). Cytogenetic location: 17q23.1.
Variant type: single nucleotide variant.
Coding change: c.361C>G on transcript NM_004859.4 (MANE Select); coding-DNA position 361, C replaced by G.
Protein change: p.Leu121Val; replaces leucine 121 with valine.
Molecular consequence: missense variant.
Genome position (GRCh38, 1-based): chr17:59,647,508, C>G. VCF-style: chr17-59647508-C-G. GRCh37 (hg19) VCF-style: chr17-57724869-C-G.
Other names: c.373C>G, p.Leu125Val (NM_001288653.2); short protein forms L121V, L125V.
Identifiers: ClinVar variation 3662526 (VCV003662526.2).

ClinVar aggregate classification (germline): Uncertain significance (1 of 4 stars; one submission).

Submission:

Labcorp Genetics (formerly Invitae), Labcorp
Classification: Uncertain significance. Last evaluated: 2024-08-15. Review status: criteria provided, single submitter. Criteria: Invitae Variant Classification Sherloc (09022015). Collection method: clinical testing. Allele origin: germline.
Comment: This sequence change replaces leucine, which is neutral and non-polar, with valine, which is neutral and non-polar, at codon 125 of the CLTC protein (p.Leu125Val). This variant is not present in population databases (gnomAD no frequency). This variant has not been reported in the literature in individuals affected with CLTC-related conditions. Invitae Evidence Modeling of protein sequence and biophysical properties (such as structural, functional, and spatial information, amino acid conservation, physicochemical variation, residue mobility, and thermodynamic stability) indicates that this missense variant is not expected to disrupt CLTC protein function with a negative predictive value of 80%. In summary, the available evidence is currently insufficient to determine the role of this variant in disease. Therefore, it has been classified as a Variant of Uncertain Significance.